The following is an entry in ClinVar:

ClinVar aggregate classification (germline): Uncertain significance. Review status: criteria provided, multiple submitters, no conflicts (2 of 4 stars). 2 submissions from 2 submitters: Uncertain significance (2). Last evaluated 2024-02-07.

Conditions:
Joubert syndrome 3 (JBTS3). Also called: AHI1-related Ciliopathy. Identifiers: Orphanet 220493, MedGen C1837713, MONDO:0012078, OMIM 608629.
Joubert syndrome. Also called: CEREBELLOPARENCHYMAL DISORDER IV; JOUBERT-BOLTSHAUSER SYNDROME; Familial aplasia of the vermis. Identifiers: Orphanet 475, MedGen C5979921, MONDO:0018772.

Allele frequency attached by ClinVar (database versions not stated): TOPMed below 0.00001.
gnomAD v4.1: 1 of 1,613,950 alleles (0.000062%); highest among the groups gnomAD compares: Non-Finnish European, 0.000085%; no homozygotes.

Submissions (2):

Fulgent Genetics
Classification: Uncertain significance for Joubert syndrome 3. Last evaluated: 2024-02-07. Review status: criteria provided, single submitter. Criteria: ACMG Guidelines, 2015. Collection method: clinical testing. Allele origin: germline.

Labcorp Genetics (formerly Invitae), Labcorp
Classification: Uncertain significance for Joubert syndrome. Last evaluated: 2022-04-16. Review status: criteria provided, single submitter. Criteria: Invitae Variant Classification Sherloc (09022015). Collection method: clinical testing. Allele origin: germline.
Comment: This sequence change replaces asparagine, which is neutral and polar, with lysine, which is basic and polar, at codon 112 of the AHI1 protein (p.Asn112Lys). This variant is not present in population databases (gnomAD no frequency). This variant has not been reported in the literature in individuals affected with AHI1-related conditions. Advanced modeling of protein sequence and biophysical properties (such as structural, functional, and spatial information, amino acid conservation, physicochemical variation, residue mobility, and thermodynamic stability) performed at Invitae indicates that this missense variant is not expected to disrupt AHI1 protein function. In summary, the available evidence is currently insufficient to determine the role of this variant in disease. Therefore, it has been classified as a Variant of Uncertain Significance.

NM_001134831.2(AHI1):c.336T>A (p.Asn112Lys)

Gene: AHI1 (Abelson helper integration site 1; minus strand). Cytogenetic location: 6q23.3.
Variant type: single nucleotide variant.
Coding change: c.336T>A on transcript NM_001134831.2 (MANE Select); coding-DNA position 336, T replaced by A.
Protein change: p.Asn112Lys; replaces asparagine 112 with lysine.
Molecular consequence: missense variant.
Genome position (GRCh38, 1-based): chr6:135,466,227, A>T on the plus strand (T>A on the coding strand, the complement: AHI1 is on the minus strand). VCF-style: chr6-135466227-A-T. GRCh37 (hg19) VCF-style: chr6-135787365-A-T.
Other names: c.336T>A, p.Asn112Lys (NM_001134830.2, NM_001134832.2, NM_001350503.2 and 2 more transcripts); c.336T>A (NM_017651.4); short protein forms N112K.
Identifiers: ClinVar variation 1904058 (VCV001904058.3), dbSNP rs559629609, ClinGen allele CA365751924.